The following is an entry in ClinVar:

NM_014049.5(ACAD9):c.340G>T (p.Glu114Ter)

Gene: ACAD9 (acyl-CoA dehydrogenase family member 9; plus strand). Cytogenetic location: 3q21.3.
Variant type: single nucleotide variant.
Coding change: c.340G>T on transcript NM_014049.5 (MANE Select); coding-DNA position 340, G replaced by T.
Protein change: p.Glu114Ter; replaces glutamic acid 114 with a stop codon.
Molecular consequence: nonsense. On other transcripts: non-coding transcript variant (1).
Genome position (GRCh38, 1-based): chr3:128,893,650, G>T. VCF-style: chr3-128893650-G-T. GRCh37 (hg19) VCF-style: chr3-128612493-G-T.
Other names: short protein forms E114*.
Identifiers: ClinVar variation 1415957 (VCV001415957.7), dbSNP rs2107648799, ClinGen allele CA354432873.

ClinVar aggregate classification (germline): Pathogenic/Likely pathogenic. Review status: criteria provided, multiple submitters, no conflicts (2 of 4 stars). 2 submissions from 2 submitters: Pathogenic (1); Likely pathogenic (1). Last evaluated 2023-10-08.

Conditions:
Acyl-CoA dehydrogenase 9 deficiency. Also called: MITOCHONDRIAL COMPLEX I DEFICIENCY, NUCLEAR TYPE 20; Acyl-CoA dehydrogenase family, member 9, deficiency of. Identifiers: Orphanet 99901, MedGen C4747517, MONDO:0012624, OMIM 611126.

Submissions (2):

Labcorp Genetics (formerly Invitae), Labcorp
Classification: Pathogenic. Last evaluated: 2023-10-08. Review status: criteria provided, single submitter. Criteria: Invitae Variant Classification Sherloc (09022015). Collection method: clinical testing. Allele origin: germline.
Comment: This sequence change creates a premature translational stop signal (p.Glu114*) in the ACAD9 gene. It is expected to result in an absent or disrupted protein product. Loss-of-function variants in ACAD9 are known to be pathogenic (PMID: 25721401). This variant is not present in population databases (gnomAD no frequency). This variant has not been reported in the literature in individuals affected with ACAD9-related conditions. ClinVar contains an entry for this variant (Variation ID: 1415957). For these reasons, this variant has been classified as Pathogenic.

Baylor Genetics
Classification: Likely pathogenic for Acyl-CoA dehydrogenase 9 deficiency. Last evaluated: 2023-08-16. Review status: criteria provided, single submitter. Criteria: ACMG Guidelines, 2015. Collection method: clinical testing. Allele origin: unknown.

Literature cited by the submitters: PubMed 25721401 (cited by Labcorp Genetics (formerly Invitae), Labcorp).